The following is an entry in ClinVar:

ClinVar aggregate classification (germline): Uncertain significance (1 of 4 stars; one submission).

Conditions:
INS-related disorder. Also called: INS-related condition.

Submission:

PreventionGenetics, part of Exact Sciences
Classification: Uncertain significance for INS-related condition. Last evaluated: 2026-08-31. Review status: criteria provided, single submitter. Criteria: ACMG Guidelines, 2015. Collection method: clinical testing. Allele origin: germline.
Comment: The INS c.205G>T variant is predicted to result in the amino acid substitution p.Gly69Cys. This variant has been reported as a de novo finding in an individual with permanent neonatal diabetes mellitus (Laimon et al. 2021. PubMed ID: 34426871). This variant has not been reported in a large population database (gnomAD), indicating this variant is rare. At this time, the clinical significance of this variant is uncertain due to the absence of conclusive functional and genetic evidence.

NM_000207.3(INS):c.205G>T (p.Gly69Cys)

Genes: INS (insulin; minus strand), INS-IGF2 (INS-IGF2 readthrough; minus strand). Cytogenetic location: 11p15.5.
Variant type: single nucleotide variant.
Coding change: c.205G>T on transcript NM_000207.3 (MANE Select); coding-DNA position 205, G replaced by T.
Protein change: p.Gly69Cys; replaces glycine 69 with cysteine.
Molecular consequence: missense variant. On other transcripts: intron variant (1).
Genome position (GRCh38, 1-based): chr11:2,159,980, C>A on the plus strand (G>T on the coding strand, the complement: INS is on the minus strand). VCF-style: chr11-2159980-C-A. GRCh37 (hg19) VCF-style: chr11-2181210-C-A.
Other names: c.205G>T, p.Gly69Cys (NM_001185097.2, NM_001185098.2, NM_001291897.2); c.187+805G>T (NM_001042376.3); short protein forms G69C.
Identifiers: ClinVar variation 4991811 (VCV004991811.1).